The following is an entry in ClinVar:

NM_000535.7(PMS2):c.668T>A (p.Ile223Lys)

Gene: PMS2 (PMS1 homolog 2, mismatch repair system component; minus strand). Cytogenetic location: 7p22.1.
Variant type: single nucleotide variant.
Coding change: c.668T>A on transcript NM_000535.7 (MANE Select); coding-DNA position 668, T replaced by A.
Protein change: p.Ile223Lys; replaces isoleucine 223 with lysine.
Molecular consequence: missense variant. On other transcripts: 5 prime UTR variant (2), non-coding transcript variant (1), intron variant (9).
Genome position (GRCh38, 1-based): chr7:5,999,145, A>T on the plus strand (T>A on the coding strand, the complement: PMS2 is on the minus strand). VCF-style: chr7-5999145-A-T. GRCh37 (hg19) VCF-style: chr7-6038776-A-T.
Other names: c.263T>A, p.Ile88Lys (NM_001018040.1, NM_001322003.2, NM_001322004.2 and 20 more transcripts); c.668T>A, p.Ile223Lys (NM_001322006.2, NM_001322014.2, NM_001406870.1 and 4 more transcripts); c.350T>A, p.Ile117Lys (NM_001322007.2, NM_001322008.2, NM_001406876.1 and 4 more transcripts); c.-266T>A (NM_001322011.2, NM_001322012.2); c.359T>A, p.Ile120Lys (NM_001322015.2, NM_001406875.1, NM_001406877.1 and 6 more transcripts); c.854T>A, p.Ile285Lys (NM_001406866.1); c.692T>A, p.Ile231Lys (NM_001406868.1); c.132+3308T>A (NM_001406911.1); and 6 more; short protein forms I111K, I120K, I231K, I117K, I223K, I88K, I285K.
Identifiers: ClinVar variation 2875981 (VCV002875981.3), dbSNP rs771834092, ClinGen allele CA366743885.
Genomic context (GRCh38, chr7:5,999,145, plus strand): 5'-TTGAAGTAACCGGCCATCACTACCTGCTTCTGCCCAAACACAGAGCCGATATTTTCCTTT[A>T]TGCTGGGGCTTCCACCTGTGCATACCACAGGCTGTCGTTTTCCTTGTCCAAGCTGATTGG-3'
Protein context (NP_000526.2, residues 213-233): PVVCTGGSPS[Ile223Lys]KENIGSVFGQ

ClinVar aggregate classification (germline): Uncertain significance (1 of 4 stars; one submission).

Conditions:
Hereditary nonpolyposis colorectal neoplasms. Identifiers: MedGen C0009405, MeSH D003123.

Submission:

Labcorp Genetics (formerly Invitae), Labcorp
Classification: Uncertain significance for Hereditary nonpolyposis colorectal neoplasms. Last evaluated: 2023-03-20. Review status: criteria provided, single submitter. Criteria: Invitae Variant Classification Sherloc (09022015). Collection method: clinical testing. Allele origin: germline.
Comment: In summary, the available evidence is currently insufficient to determine the role of this variant in disease. Therefore, it has been classified as a Variant of Uncertain Significance. Advanced modeling of protein sequence and biophysical properties (such as structural, functional, and spatial information, amino acid conservation, physicochemical variation, residue mobility, and thermodynamic stability) performed at Invitae indicates that this missense variant is expected to disrupt PMS2 protein function. This variant has not been reported in the literature in individuals affected with PMS2-related conditions. This variant is not present in population databases (gnomAD no frequency). This sequence change replaces isoleucine, which is neutral and non-polar, with lysine, which is basic and polar, at codon 223 of the PMS2 protein (p.Ile223Lys).